The following is an entry in ClinVar:

ClinVar aggregate classification (germline): Uncertain significance. Review status: criteria provided, multiple submitters, no conflicts (2 of 4 stars). 2 submissions from 2 submitters: Uncertain significance (2). Last evaluated 2025-04-14.

Conditions:
Inborn genetic diseases. Identifiers: MedGen C0950123, MeSH D030342.

Allele frequency attached by ClinVar (database versions not stated): ExAC 0.00001; gnomAD 0.00001; gnomAD exomes 0.00001; TOPMed 0.00001.
gnomAD v4.1: 11 of 1,608,322 alleles (0.00068%); highest among the groups gnomAD compares: East Asian, 0.013%; no homozygotes.

Submissions (2):

Labcorp Genetics (formerly Invitae), Labcorp
Classification: Uncertain significance. Last evaluated: 2025-04-14. Review status: criteria provided, single submitter. Criteria: Invitae Variant Classification Sherloc (09022015). Collection method: clinical testing. Allele origin: germline.
Comment: This sequence change replaces proline, which is neutral and non-polar, with leucine, which is neutral and non-polar, at codon 1516 of the HSPG2 protein (p.Pro1516Leu). The frequency data for this variant in the population databases is considered unreliable, as metrics indicate poor data quality at this position in the gnomAD database. This variant has not been reported in the literature in individuals affected with HSPG2-related conditions. ClinVar contains an entry for this variant (Variation ID: 1936350). An algorithm developed to predict the effect of missense changes on protein structure and function (PolyPhen-2) suggests that this variant is likely to be disruptive. In summary, the available evidence is currently insufficient to determine the role of this variant in disease. Therefore, it has been classified as a Variant of Uncertain Significance.

Ambry Genetics
Classification: Uncertain significance for Inborn genetic diseases. Last evaluated: 2022-11-21. Review status: criteria provided, single submitter. Criteria: Ambry Variant Classification Scheme 2023. Collection method: clinical testing. Allele origin: germline.

NM_005529.7(HSPG2):c.4547C>T (p.Pro1516Leu)

Gene: HSPG2 (heparan sulfate proteoglycan 2; minus strand). Cytogenetic location: 1p36.12.
Variant type: single nucleotide variant.
Coding change: c.4547C>T on transcript NM_005529.7 (MANE Select); coding-DNA position 4547, C replaced by T.
Protein change: p.Pro1516Leu; replaces proline 1516 with leucine.
Molecular consequence: missense variant.
Genome position (GRCh38, 1-based): chr1:21,864,922, G>A on the plus strand (C>T on the coding strand, the complement: HSPG2 is on the minus strand). VCF-style: chr1-21864922-G-A. GRCh37 (hg19) VCF-style: chr1-22191415-G-A.
Other names: c.4550C>T, p.Pro1517Leu (NM_001291860.2); short protein forms P1517L, P1516L.
Identifiers: ClinVar variation 1936350 (VCV001936350.6), dbSNP rs749725739, ClinGen allele CA672239.